The following is an entry in ClinVar:

NM_031935.3(HMCN1):c.16462A>G (p.Met5488Val)

Genes: HMCN1 (hemicentin 1; plus strand), LOC126805953 (P300/CBP strongly-dependent group 1 enhancer GRCh37_chr1:186156636-186157835; plus strand). Cytogenetic location: 1q31.1.
Variant type: single nucleotide variant.
Coding change: c.16462A>G on transcript NM_031935.3 (MANE Select); coding-DNA position 16462, A replaced by G.
Protein change: p.Met5488Val; replaces methionine 5488 with valine.
Molecular consequence: missense variant.
Genome position (GRCh38, 1-based): chr1:186,187,930, A>G. VCF-style: chr1-186187930-A-G. GRCh37 (hg19) VCF-style: chr1-186157062-A-G.
Other names: short protein forms M5488V.
Identifiers: ClinVar variation 2119487 (VCV002119487.4), dbSNP rs2528298963, ClinGen allele CA343904131.

ClinVar aggregate classification (germline): Uncertain significance (1 of 4 stars; one submission).

Submission:

Labcorp Genetics (formerly Invitae), Labcorp
Classification: Uncertain significance. Last evaluated: 2023-05-26. Review status: criteria provided, single submitter. Criteria: Invitae Variant Classification Sherloc (09022015). Collection method: clinical testing. Allele origin: germline.
Comment: An algorithm developed to predict the effect of missense changes on protein structure and function (PolyPhen-2) suggests that this variant is likely to be disruptive. In summary, the available evidence is currently insufficient to determine the role of this variant in disease. Therefore, it has been classified as a Variant of Uncertain Significance. ClinVar contains an entry for this variant (Variation ID: 2119487). This variant has not been reported in the literature in individuals affected with HMCN1-related conditions. This variant is not present in population databases (gnomAD no frequency). This sequence change replaces methionine, which is neutral and non-polar, with valine, which is neutral and non-polar, at codon 5488 of the HMCN1 protein (p.Met5488Val).